The following is an entry in ClinVar:

NM_203447.4(DOCK8):c.3550A>T (p.Lys1184Ter)

Gene: DOCK8 (dedicator of cytokinesis 8; plus strand). Cytogenetic location: 9p24.3.
Variant type: single nucleotide variant.
Coding change: c.3550A>T on transcript NM_203447.4 (MANE Select); coding-DNA position 3550, A replaced by T.
Protein change: p.Lys1184Ter; replaces lysine 1184 with a stop codon.
Molecular consequence: nonsense.
Genome position (GRCh38, 1-based): chr9:414,801, A>T. VCF-style: chr9-414801-A-T. GRCh37 (hg19) VCF-style: chr9-414801-A-T.
Other names: c.3250A>T, p.Lys1084Ter (NM_001190458.2); c.3346A>T, p.Lys1116Ter (NM_001193536.2); short protein forms K1116*, K1084*, K1184*.
Identifiers: ClinVar variation 2033221 (VCV002033221.4), dbSNP rs770475792, ClinGen allele CA372760253.

ClinVar aggregate classification (germline): Pathogenic (1 of 4 stars; one submission).

Conditions:
Combined immunodeficiency due to DOCK8 deficiency (HIES2). Also called: HIES autosomal recessive; Hyper-IgE recurrent infection syndrome, autosomal recessive; HYPER-IgE RECURRENT INFECTION SYNDROME 2, AUTOSOMAL RECESSIVE; HYPER-IgE SYNDROME 2, AUTOSOMAL RECESSIVE, WITH RECURRENT INFECTIONS; DOCK8 Deficiency. Identifiers: Orphanet 217390, MedGen C4722305, MONDO:0009478, OMIM 243700.

Submission:

Labcorp Genetics (formerly Invitae), Labcorp
Classification: Pathogenic for Combined immunodeficiency due to DOCK8 deficiency. Last evaluated: 2022-10-28. Review status: criteria provided, single submitter. Criteria: Invitae Variant Classification Sherloc (09022015). Collection method: clinical testing. Allele origin: germline.
Comment: For these reasons, this variant has been classified as Pathogenic. Algorithms developed to predict the effect of sequence changes on RNA splicing suggest that this variant may disrupt the consensus splice site. This variant has not been reported in the literature in individuals affected with DOCK8-related conditions. This variant is not present in population databases (gnomAD no frequency). This sequence change creates a premature translational stop signal (p.Lys1184*) in the DOCK8 gene. It is expected to result in an absent or disrupted protein product. Loss-of-function variants in DOCK8 are known to be pathogenic (PMID: 14722525, 19776401).

Literature cited by the submitters: PubMed 14722525; PubMed 19776401.